The following is an entry in ClinVar:

ClinVar aggregate classification (germline): Uncertain significance. Review status: criteria provided, multiple submitters, no conflicts (2 of 4 stars). 2 submissions from 2 submitters: Uncertain significance (2). Last evaluated 2026-02-13.

Conditions:
EGFR-related lung cancer (EGFR). Identifiers: MedGen CN130014.
Hereditary cancer-predisposing syndrome. Also called: Neoplastic Syndromes, Hereditary; Tumor predisposition; Hereditary Cancer Syndrome; Hereditary neoplastic syndrome. Identifiers: Orphanet 140162, MedGen C0027672, MeSH D009386, MONDO:0015356.

Submissions (2):

Ambry Genetics
Classification: Uncertain significance for Hereditary cancer-predisposing syndrome. Last evaluated: 2026-02-13. Review status: criteria provided, single submitter. Criteria: Ambry Variant Classification Scheme 2023. Collection method: clinical testing. Allele origin: germline.
Comment: The p.D974E variant (also known as c.2922C>A), located in coding exon 24 of the EGFR gene, results from a C to A substitution at nucleotide position 2922. The aspartic acid at codon 974 is replaced by glutamic acid, an amino acid with highly similar properties. This amino acid position is highly conserved in available vertebrate species. In addition, this alteration is predicted to be tolerated by in silico analysis. Based on the available evidence, the clinical significance of this variant remains unclear.

Labcorp Genetics (formerly Invitae), Labcorp
Classification: Uncertain significance for EGFR-related lung cancer. Last evaluated: 2025-12-06. Review status: criteria provided, single submitter. Criteria: Invitae Variant Classification Sherloc (09022015). Collection method: clinical testing. Allele origin: germline.
Comment: This sequence change replaces aspartic acid, which is acidic and polar, with glutamic acid, which is acidic and polar, at codon 974 of the EGFR protein (p.Asp974Glu). This variant is not present in population databases (gnomAD no frequency). This variant has not been reported in the literature in individuals affected with EGFR-related conditions. Invitae Evidence Modeling of protein sequence and biophysical properties (such as structural, functional, and spatial information, amino acid conservation, physicochemical variation, residue mobility, and thermodynamic stability) indicates that this missense variant is expected to disrupt EGFR protein function with a positive predictive value of 80%. In summary, the available evidence is currently insufficient to determine the role of this variant in disease. Therefore, it has been classified as a Variant of Uncertain Significance.

NM_005228.5(EGFR):c.2922C>A (p.Asp974Glu)

Gene: EGFR (epidermal growth factor receptor; plus strand). Cytogenetic location: 7p11.2.
Variant type: single nucleotide variant.
Coding change: c.2922C>A on transcript NM_005228.5 (MANE Select); coding-DNA position 2922, C replaced by A.
Protein change: p.Asp974Glu; replaces aspartic acid 974 with glutamic acid.
Molecular consequence: missense variant.
Genome position (GRCh38, 1-based): chr7:55,200,389, C>A. VCF-style: chr7-55200389-C-A. GRCh37 (hg19) VCF-style: chr7-55268082-C-A.
Other names: c.2787C>A, p.Asp929Glu (NM_001346897.2, NM_001346899.2); c.2922C>A, p.Asp974Glu (NM_001346898.2); c.2763C>A, p.Asp921Glu (NM_001346900.2); c.2121C>A, p.Asp707Glu (NM_001346941.2); short protein forms D707E, D921E, D929E, D974E.
Identifiers: ClinVar variation 4717966 (VCV004717966.2).